The following is an entry in ClinVar:

ClinVar aggregate classification (germline): Uncertain significance. Review status: criteria provided, multiple submitters, no conflicts (2 of 4 stars). 4 submissions from 4 submitters: Uncertain significance (4). Last evaluated 2025-10-15.

Conditions:
Inborn genetic diseases. Identifiers: MedGen C0950123, MeSH D030342.
Short-rib thoracic dysplasia 19 with or without polydactyly. Identifiers: MedGen C4693524, MONDO:0033485, OMIM 617895.

Allele frequency attached by ClinVar (database versions not stated): gnomAD exomes below 0.00001; gnomAD 0.00001; TOPMed 0.00001.
gnomAD v4.1: 7 of 1,538,900 alleles (0.00045%); highest among the groups gnomAD compares: South Asian, 0.0026%; no homozygotes.

Submissions (4):

Ambry Genetics
Classification: Uncertain significance for Inborn genetic diseases. Last evaluated: 2025-10-15. Review status: criteria provided, single submitter. Criteria: Ambry Variant Classification Scheme 2023. Collection method: clinical testing. Allele origin: germline.

Blueprint Genetics
Classification: Uncertain significance. Last evaluated: 2024-07-05. Review status: criteria provided, single submitter. Criteria: ACMG Guidelines, 2015. Collection method: clinical testing. Allele origin: germline.

Labcorp Genetics (formerly Invitae), Labcorp
Classification: Uncertain significance. Last evaluated: 2022-07-26. Review status: criteria provided, single submitter. Criteria: Invitae Variant Classification Sherloc (09022015). Collection method: clinical testing. Allele origin: germline.
Comment: This sequence change replaces aspartic acid, which is acidic and polar, with glycine, which is neutral and non-polar, at codon 672 of the IFT81 protein (p.Asp672Gly). This variant is not present in population databases (gnomAD no frequency). This variant has not been reported in the literature in individuals affected with IFT81-related conditions. ClinVar contains an entry for this variant (Variation ID: 999337). Algorithms developed to predict the effect of missense changes on protein structure and function are either unavailable or do not agree on the potential impact of this missense change (SIFT: "Deleterious"; PolyPhen-2: "Probably Damaging"; Align-GVGD: "Class C0"). In summary, the available evidence is currently insufficient to determine the role of this variant in disease. Therefore, it has been classified as a Variant of Uncertain Significance.

Revvity Omics, Revvity
Classification: Uncertain significance for Short-rib thoracic dysplasia 19 with or without polydactyly. Last evaluated: 2022-01-01. Review status: criteria provided, single submitter. Criteria: ACMG Guidelines, 2015. Collection method: clinical testing. Allele origin: germline.

NM_014055.4(IFT81):c.2015A>G (p.Asp672Gly)

Gene: IFT81 (intraflagellar transport 81; plus strand). Cytogenetic location: 12q24.11.
Variant type: single nucleotide variant.
Coding change: c.2015A>G on transcript NM_014055.4 (MANE Select); coding-DNA position 2015, A replaced by G.
Protein change: p.Asp672Gly; replaces aspartic acid 672 with glycine.
Molecular consequence: missense variant. On other transcripts: non-coding transcript variant (4).
Genome position (GRCh38, 1-based): chr12:110,218,210, A>G. VCF-style: chr12-110218210-A-G. GRCh37 (hg19) VCF-style: chr12-110656015-A-G.
Other names: c.2015A>G, p.Asp672Gly (NM_001143779.2); c.1085A>G, p.Asp362Gly (NM_001347947.2, NM_001347948.2); c.2015A>G (NM_014055.3); short protein forms D362G, D672G.
Identifiers: ClinVar variation 999337 (VCV000999337.8), dbSNP rs1444904476, ClinGen allele CA386911334.